The following is an entry in ClinVar:

ClinVar aggregate classification (germline): Likely pathogenic. Review status: criteria provided, single submitter (1 of 4 stars). 2 submissions from 2 submitters: Likely pathogenic (1). 1 of the submissions does not count toward it. Last evaluated 2025-05-18.

Conditions:
Isolated microphthalmia 6. Also called: MICROPHTHALMIA, POSTERIOR NONSYNDROMIC. Identifiers: Orphanet 2542, MedGen C3150757, MONDO:0013293, OMIM 613517.

Allele frequency attached by ClinVar (database versions not stated): gnomAD 0.00001; gnomAD exomes 0.00001 and 0.00006; TOPMed 0.00001.

Submissions (2):

Labcorp Genetics (formerly Invitae), Labcorp
Classification: Likely pathogenic for Isolated microphthalmia 6. Last evaluated: 2025-05-18. Review status: criteria provided, single submitter. Criteria: Invitae Variant Classification Sherloc (09022015). Collection method: clinical testing. Allele origin: germline.
Comment: This sequence change replaces glycine, which is neutral and non-polar, with arginine, which is basic and polar, at codon 320 of the PRSS56 protein (p.Gly320Arg). This variant is present in population databases (rs730882158, gnomAD 0.002%). This missense change has been observed in individual(s) with microphthalmia (PMID: 21850159; internal data). In at least one individual the data is consistent with being in trans (on the opposite chromosome) from a pathogenic variant. It has also been observed to segregate with disease in related individuals. ClinVar contains an entry for this variant (Variation ID: 183170). Experimental studies and prediction algorithms are not available or were not evaluated, and the functional significance of this variant is currently unknown. In summary, the currently available evidence indicates that the variant is pathogenic, but additional data are needed to prove that conclusively. Therefore, this variant has been classified as Likely Pathogenic.

OMIM
Classification: Pathogenic for MICROPHTHALMIA, ISOLATED 6. Last evaluated: 2011-01-01. Review status: no assertion criteria provided. Collection method: literature only. Allele origin: germline. Not counted in ClinVar's aggregate classification.

Literature cited by the submitters: PubMed 21850159 (cited by Labcorp Genetics (formerly Invitae), Labcorp and OMIM).

NM_001195129.2(PRSS56):c.958G>A (p.Gly320Arg)

Gene: PRSS56 (serine protease 56; plus strand). Cytogenetic location: 2q37.1.
Variant type: single nucleotide variant.
Coding change: c.958G>A on transcript NM_001195129.2 (MANE Select); coding-DNA position 958, G replaced by A.
Protein change: p.Gly320Arg; replaces glycine 320 with arginine.
Molecular consequence: missense variant.
Genome position (GRCh38, 1-based): chr2:232,523,524, G>A. VCF-style: chr2-232523524-G-A. GRCh37 (hg19) VCF-style: chr2-233388234-G-A.
Other names: c.958G>A, p.Gly320Arg (NM_001369848.1); short protein forms G320R.
Identifiers: ClinVar variation 183170 (VCV000183170.6), dbSNP rs730882158, ClinGen allele CA186005.